The following is an entry in ClinVar:

ClinVar aggregate classification (germline): Uncertain significance (1 of 4 stars; one submission).

gnomAD v4.1: 2 of 1,613,982 alleles (0.00012%); highest among the groups gnomAD compares: Non-Finnish European, 0.00017%; no homozygotes.

Submission:

Dasa
Classification: Uncertain significance. Last evaluated: 2026-05-18. Review status: criteria provided, single submitter. Criteria: DASA Assertion Criteria. Collection method: clinical testing. Allele origin: germline.
Comment: NM_000088.4(COL1A1):c.3421C>G (p.Arg1141Gly) is a missense variant that results in the substitution of arginine with glycine. The affected residue or protein region has prior evidence supporting clinical relevance. This variant is absent from population databases. Computational prediction algorithms are consistent with a deleterious effect. The currently available literature and clinical evidence are not sufficient to establish a definitive association between this variant and the reported condition. Therefore, this variant is classified as a variant of uncertain significance.

NM_000088.4(COL1A1):c.3421C>G (p.Arg1141Gly)

Gene: COL1A1 (collagen type I alpha 1 chain; minus strand). Cytogenetic location: 17q21.33.
Variant type: single nucleotide variant.
Coding change: c.3421C>G on transcript NM_000088.4 (MANE Select); coding-DNA position 3421, C replaced by G.
Protein change: p.Arg1141Gly; replaces arginine 1141 with glycine.
Molecular consequence: missense variant.
Genome position (GRCh38, 1-based): chr17:50,187,486, G>C on the plus strand (C>G on the coding strand, the complement: COL1A1 is on the minus strand). VCF-style: chr17-50187486-G-C. GRCh37 (hg19) VCF-style: chr17-48264847-G-C.
Other names: short protein forms R1141G.
Identifiers: ClinVar variation 5020548 (VCV005020548.1).
Genomic context (GRCh38, chr17:50,187,486, plus strand): 5'-TCCCCGAGGTGAGCCTGGGCTTGGGGCTCAGGAAGAGGAGAGAGAAGGCATGACTTACTC[G>C]GGGACCAGCAGGACCAGAGGCTCCAGAGGGACCTTGTTCACCAGGAGAGCCCTGAAGGAC-3'
Protein context (NP_000079.2, residues 1131-1151): PSGASGPAGP[Arg1141Gly]GPPGSAGAPG